The following is an entry in ClinVar:

ClinVar aggregate classification (germline): Uncertain significance (1 of 4 stars; one submission).

Allele frequency attached by ClinVar (database versions not stated): gnomAD exomes below 0.00001; gnomAD 0.00001; TOPMed 0.00002.

Submission:

Labcorp Genetics (formerly Invitae), Labcorp
Classification: Uncertain significance. Last evaluated: 2022-01-03. Review status: criteria provided, single submitter. Criteria: Invitae Variant Classification Sherloc (09022015). Collection method: clinical testing. Allele origin: germline.
Comment: This sequence change creates a premature translational stop signal (p.Tyr499Phefs*3) in the TYRP1 gene. While this is not anticipated to result in nonsense mediated decay, it is expected to disrupt the last 39 amino acid(s) of the TYRP1 protein. This variant is present in population databases (no rsID available, gnomAD 0.01%). This variant has not been reported in the literature in individuals affected with TYRP1-related conditions. Experimental studies and prediction algorithms are not available or were not evaluated, and the functional significance of this variant is currently unknown. In summary, the available evidence is currently insufficient to determine the role of this variant in disease. Therefore, it has been classified as a Variant of Uncertain Significance.

NM_000550.3(TYRP1):c.1494_1495dup (p.Tyr499fs)

Genes: LURAP1L-AS1 (LURAP1L antisense RNA 1; minus strand), TYRP1 (tyrosinase related protein 1; plus strand). Cytogenetic location: 9p23.
Variant type: Duplication.
Coding change: c.1494_1495dup on transcript NM_000550.3 (MANE Select); coding-DNA positions 1494 to 1495, 2 bases duplicated (TT; older notation c.1494_1495dupTT).
Protein change: p.Tyr499fs; shifts the reading frame from tyrosine 499.
Molecular consequence: frameshift variant.
Genome position (GRCh38, 1-based): chr9:12,709,062-12,709,063, TT duplicated. VCF-style (leftmost placement, unchanged base first): chr9-12709061-C-CTT. GRCh37 (hg19) VCF-style: chr9-12709061-C-CTT.
Other names: short protein forms Y499fs.
Identifiers: ClinVar variation 2072952 (VCV002072952.1), dbSNP rs1291260208, ClinGen allele CA586637176.